The following is an entry in ClinVar:

ClinVar aggregate classification (germline): Uncertain significance (1 of 4 stars; one submission).

gnomAD v4.1: 4 of 1,605,192 alleles (0.00025%); highest among the groups gnomAD compares: Non-Finnish European, 0.00034%; no homozygotes.

Submission:

Labcorp Genetics (formerly Invitae), Labcorp
Classification: Uncertain significance. Last evaluated: 2024-05-02. Review status: criteria provided, single submitter. Criteria: Invitae Variant Classification Sherloc (09022015). Collection method: clinical testing. Allele origin: germline.
Comment: This sequence change affects codon 15 of the FZD2 mRNA. It is a 'silent' change, meaning that it does not change the encoded amino acid sequence of the FZD2 protein. This variant is not present in population databases (gnomAD no frequency). This variant has not been reported in the literature in individuals affected with FZD2-related conditions. In summary, the available evidence is currently insufficient to determine the role of this variant in disease. Therefore, it has been classified as a Variant of Uncertain Significance.

NM_001466.4(FZD2):c.45G>A (p.Leu15=)

Gene: FZD2 (frizzled class receptor 2; plus strand). Cytogenetic location: 17q21.31.
Variant type: single nucleotide variant.
Coding change: c.45G>A on transcript NM_001466.4 (MANE Select); coding-DNA position 45, G replaced by A.
Protein change: p.Leu15=; no amino-acid change (leucine 15 retained).
Molecular consequence: synonymous variant.
Genome position (GRCh38, 1-based): chr17:44,557,733, G>A. VCF-style: chr17-44557733-G-A. GRCh37 (hg19) VCF-style: chr17-42635101-G-A.
Identifiers: ClinVar variation 3651908 (VCV003651908.2).
Genomic context (GRCh38, chr17:44,557,733, plus strand): 5'-GGGGGCGGCGGCCAGCATGCGGCCCCGCAGCGCCCTGCCCCGCCTGCTGCTGCCGCTGCT[G>A]CTGCTGCCCGCCGCCGGGCCGGCCCAGTTCCACGGGGAGAAGGGCATCTCCATCCCGGAC-3'
Protein context (NP_001457.1, residues 5-25): SALPRLLLPL[Leu15=]LLPAAGPAQF